The following is an entry in ClinVar:

NM_001388308.1(KIF12):c.1248G>T (p.Val416=)

Gene: KIF12 (kinesin family member 12; minus strand). Cytogenetic location: 9q32.
Variant type: single nucleotide variant.
Coding change: c.1248G>T on transcript NM_001388308.1 (MANE Select); coding-DNA position 1248, G replaced by T.
Protein change: p.Val416=; no amino-acid change (valine 416 retained).
Molecular consequence: synonymous variant.
Genome position (GRCh38, 1-based): chr9:114,094,246, C>A on the plus strand (G>T on the coding strand, the complement: KIF12 is on the minus strand). VCF-style: chr9-114094246-C-A. GRCh37 (hg19) VCF-style: chr9-116856526-C-A.
Other names: c.834G>T, p.Val278= (NM_138424.2).
Identifiers: ClinVar variation 5039835 (VCV005039835.1).

ClinVar aggregate classification (germline): Likely benign (1 of 4 stars; one submission).

Submission:

CeGaT Center for Human Genetics Tuebingen
Classification: Likely benign. Last evaluated: 2026-07-01. Review status: criteria provided, single submitter. Criteria: CeGaT Center For Human Genetics Tuebingen Variant Classification Criteria Version 2. Collection method: clinical testing. Allele origin: germline. Affected: yes. Observed: 1 variant allele.
Comment: KIF12: PM2:Supporting, BP4, BP7